The following is an entry in ClinVar:

ClinVar aggregate classification (germline): Conflicting classifications of pathogenicity. Review status: criteria provided, conflicting classifications (1 of 4 stars). 5 submissions from 5 submitters: Uncertain significance (1); Likely benign (4). Last evaluated 2026-01-26.

Conditions:
Hereditary nonpolyposis colorectal neoplasms. Identifiers: MedGen C0009405, MeSH D003123.
Hereditary cancer-predisposing syndrome. Also called: Neoplastic Syndromes, Hereditary; Tumor predisposition; Hereditary neoplastic syndrome; Hereditary Cancer Syndrome. Identifiers: Orphanet 140162, MedGen C0027672, MeSH D009386, MONDO:0015356.
Lynch syndrome 4 (LYNCH4). Also called: Hereditary non-polyposis colorectal cancer, type 4; Colorectal cancer, hereditary nonpolyposis, type 4. Identifiers: Orphanet 144, MedGen C1838333, MONDO:0013699, OMIM 614337. Disease mechanism: loss of function.

Allele frequency attached by ClinVar (database versions not stated): gnomAD exomes below 0.00001 and 0.00001; TOPMed below 0.00001; ExAC 0.00001; gnomAD 0.00001.
gnomAD v4.1: 5 of 1,424,796 alleles (0.00035%); highest among the groups gnomAD compares: Admixed American, 0.0085%; no homozygotes.

Submissions (5):

Labcorp Genetics (formerly Invitae), Labcorp
Classification: Likely benign for Hereditary nonpolyposis colorectal neoplasms. Last evaluated: 2026-01-26. Review status: criteria provided, single submitter. Criteria: Invitae Variant Classification Sherloc (09022015). Collection method: clinical testing. Allele origin: germline.

Myriad Genetics, Inc.
Classification: Likely benign for Lynch syndrome 4. Last evaluated: 2025-01-23. Review status: criteria provided, single submitter. Criteria: Myriad Autosomal Dominant, Autosomal Recessive and X-Linked Classification Criteria (2023). Collection method: clinical testing. Allele origin: unknown.
Comment: This variant is considered likely benign. This variant is intronic and is not expected to impact mRNA splicing.

Color Diagnostics, LLC DBA Color Health
Classification: Likely benign for Hereditary cancer-predisposing syndrome. Last evaluated: 2019-09-19. Review status: criteria provided, single submitter. Criteria: ACMG Guidelines, 2015. Collection method: clinical testing. Allele origin: germline.

GeneDx
Classification: Likely benign. Last evaluated: 2018-04-09. Review status: criteria provided, single submitter. Criteria: GeneDx Variant Classification (06012015). Collection method: clinical testing. Allele origin: germline. Affected: yes.
Comment: This variant is considered likely benign or benign based on one or more of the following criteria: it is a conservative change, it occurs at a poorly conserved position in the protein, it is predicted to be benign by multiple in silico algorithms, and/or has population frequency not consistent with disease.

Ambry Genetics
Classification: Uncertain significance for Hereditary cancer-predisposing syndrome. Last evaluated: 2015-06-09. Review status: criteria provided, single submitter. Criteria: Ambry Variant Classification Scheme 2023. Collection method: clinical testing. Allele origin: germline.
Comment: The c.164-11A>T intronic alteration consists of a A to T substitution 11 nucleotides before coding exon 3 in the PMS2 gene. Based on insufficient or conflicting evidence, the clinical significance of this alteration remains unclear.

NM_000535.7(PMS2):c.164-11A>T

Gene: PMS2 (PMS1 homolog 2, mismatch repair system component; minus strand). Cytogenetic location: 7p22.1.
Variant type: single nucleotide variant.
Coding change: c.164-11A>T on transcript NM_000535.7 (MANE Select); 11 bases into the intron before coding-DNA position 164, A replaced by T.
Molecular consequence: intron variant.
Genome position (GRCh38, 1-based): chr7:6,004,069, T>A on the plus strand (A>T on the coding strand, the complement: PMS2 is on the minus strand). VCF-style: chr7-6004069-T-A. GRCh37 (hg19) VCF-style: chr7-6043700-T-A.
Other names: c.-52-11A>T (NM_001322008.2, NM_001322007.2); c.-242-11A>T (NM_001322010.2, NM_001322004.2, NM_001322013.2 and 3 more transcripts); c.-721-11A>T (NM_001322012.2, NM_001322011.2); c.-321-11A>T (NM_001322015.2); c.164-11A>T (NM_001322006.2, NM_001322014.2).
Identifiers: ClinVar variation 681705 (VCV000681705.13), dbSNP rs763662038, ClinGen allele CA044838.